The following is an entry in ClinVar:

NM_000093.5(COL5A1):c.1774-73A>G

Gene: COL5A1 (collagen type V alpha 1 chain; plus strand). Cytogenetic location: 9q34.3.
Variant type: single nucleotide variant.
Coding change: c.1774-73A>G on transcript NM_000093.5 (MANE Select); 73 bases into the intron before coding-DNA position 1774, A replaced by G.
Molecular consequence: intron variant.
Genome position (GRCh38, 1-based): chr9:134,754,200, A>G. VCF-style: chr9-134754200-A-G. GRCh37 (hg19) VCF-style: chr9-137646046-A-G.
Other names: c.1774-73A>G (NM_001278074.1).
Identifiers: ClinVar variation 670976 (VCV000670976.2), dbSNP rs11103501, ClinGen allele CA13021982.
Genomic context (GRCh38, chr9:134,754,200, plus strand): 5'-CCCGAAGTGCCCACATGTTTGTGGCTTGGACAGCCAGGCATGGGCAGGGTCGATGAGCAC[A>G]GGGACAAGGCTTTGCTCTTTCTCCTGAGAAAGGCGGACTCGCCACTGACCCTTTGTCTCT-3'

ClinVar aggregate classification (germline): Benign. Review status: criteria provided, multiple submitters, no conflicts (2 of 4 stars). 2 submissions from 2 submitters: Benign (2). Last evaluated 2018-06-18.

Allele frequency attached by ClinVar (database versions not stated): 1000 Genomes Project 30x 0.18551; TOPMed 0.18747; gnomAD 0.19007 and 0.19082; 1000 Genomes Project 0.19069; ESP Exome Variant Server 0.20377; gnomAD exomes 0.22332.
gnomAD v4.1: 335,669 of 1,527,162 alleles (22%); highest among the groups gnomAD compares: East Asian, 35%; 38,601 homozygotes.

Submissions (2):

GeneDx
Classification: Benign. Last evaluated: 2018-06-18. Review status: criteria provided, single submitter. Criteria: GeneDx Variant Classification (06012015). Collection method: clinical testing. Allele origin: germline. Affected: yes.
Comment: This variant is considered likely benign or benign based on one or more of the following criteria: it is a conservative change, it occurs at a poorly conserved position in the protein, it is predicted to be benign by multiple in silico algorithms, and/or has population frequency not consistent with disease.

Breakthrough Genomics
Classification: Benign. Review status: criteria provided, single submitter. Criteria: ACMG Guidelines, 2015. Collection method: not provided. Allele origin: germline. Inheritance: Autosomal dominant inheritance. Affected: yes.